The following is an entry in ClinVar:

ClinVar aggregate classification (germline): Likely benign. Review status: criteria provided, multiple submitters, no conflicts (2 of 4 stars). 4 submissions from 4 submitters: Likely benign (3). 1 of the submissions does not count toward it. Last evaluated 2026-01-02.

Conditions:
ADAMTS13-related disorder. Also called: ADAMTS13-related condition.

Allele frequency attached by ClinVar (database versions not stated): gnomAD exomes 0.00006; ExAC 0.00027; gnomAD 0.00062; 1000 Genomes Project 30x 0.00078; 1000 Genomes Project 0.00080; ESP Exome Variant Server 0.00115.
gnomAD v4.1: 189 of 1,613,938 alleles (0.012%); highest among the groups gnomAD compares: African/African-American, 0.22%; 1 homozygote.

Submissions (4):

Labcorp Genetics (formerly Invitae), Labcorp
Classification: Likely benign. Last evaluated: 2026-01-02. Review status: criteria provided, single submitter. Criteria: Invitae Variant Classification Sherloc (09022015). Collection method: clinical testing. Allele origin: germline.

Mayo Clinic Laboratories, Mayo Clinic
Classification: Likely benign. Last evaluated: 2025-07-01. Review status: criteria provided, single submitter. Criteria: ACMG Guidelines, 2015. Collection method: clinical testing. Allele origin: germline. Observed: 3 variant alleles.
Comment: BS1, BP4_moderate

Women's Health and Genetics/Laboratory Corporation of America, LabCorp
Classification: Likely benign. Last evaluated: 2024-12-04. Review status: criteria provided, single submitter. Criteria: LabCorp Variant Classification Summary - May 2015. Collection method: clinical testing. Allele origin: germline.
Comment: Variant summary: ADAMTS13 c.1499A>C (p.Asp500Ala) results in a non-conservative amino acid change located in the ADAMTS cysteine-rich domain (IPR045371) of the encoded protein sequence. Three of five in-silico tools predict a benign effect of the variant on protein function. The variant allele was found at a frequency of 0.00022 in 251066 control chromosomes, predominantly at a frequency of 0.0031 within the African or African-American subpopulation in the gnomAD database. The observed variant frequency within African or African-American control individuals in the gnomAD database exceeds the estimated maximal expected allele frequency for a pathogenic variant in ADAMTS13 causing Thrombotic Thrombocytopenic Purpura phenotype. To our knowledge, no occurrence of c.1499A>C in individuals affected with Thrombotic Thrombocytopenic Purpura and no experimental evidence demonstrating its impact on protein function have been reported. ClinVar contains an entry for this variant (Variation ID: 2072915). Based on the evidence outlined above, the variant was classified as likely benign.

PreventionGenetics, part of Exact Sciences
Classification: Likely benign for ADAMTS13-related condition. Last evaluated: 2023-05-30. Review status: no assertion criteria provided. Collection method: clinical testing. Allele origin: germline. Not counted in ClinVar's aggregate classification.
Comment: This variant is classified as likely benign based on ACMG/AMP sequence variant interpretation guidelines (Richards et al. 2015 PMID: 25741868, with internal and published modifications).

NM_139027.6(ADAMTS13):c.1499A>C (p.Asp500Ala)

Gene: ADAMTS13 (ADAM metallopeptidase with thrombospondin type 1 motif 13; plus strand). Cytogenetic location: 9q34.2.
Variant type: single nucleotide variant.
Coding change: c.1499A>C on transcript NM_139027.6 (MANE Select); coding-DNA position 1499, A replaced by C.
Protein change: p.Asp500Ala; replaces aspartic acid 500 with alanine.
Molecular consequence: missense variant.
Genome position (GRCh38, 1-based): chr9:133,437,812, A>C. VCF-style: chr9-133437812-A-C. GRCh37 (hg19) VCF-style: chr9-136302932-A-C.
Other names: p.Asp500Ala; c.1499A>C, p.Asp500Ala (NM_139025.5); c.1406A>C, p.Asp469Ala (NM_139026.6); short protein forms D500A, D469A.
Identifiers: ClinVar variation 2072915 (VCV002072915.8), dbSNP rs149706655, ClinGen allele CA200930301.